The following is an entry in ClinVar:

NM_001036.6(RYR3):c.775C>T (p.Arg259Ter)

Gene: RYR3 (ryanodine receptor 3; plus strand). Cytogenetic location: 15q14.
Variant type: single nucleotide variant.
Coding change: c.775C>T on transcript NM_001036.6 (MANE Select); coding-DNA position 775, C replaced by T.
Protein change: p.Arg259Ter; replaces arginine 259 with a stop codon.
Molecular consequence: nonsense.
Genome position (GRCh38, 1-based): chr15:33,548,164, C>T. VCF-style: chr15-33548164-C-T. GRCh37 (hg19) VCF-style: chr15-33840365-C-T.
Other names: c.775C>T, p.Arg259Ter (NM_001243996.4); short protein forms R259*.
Identifiers: ClinVar variation 523907 (VCV000523907.2), dbSNP rs751973008, ClinGen allele CA391561627.

ClinVar aggregate classification (germline): Uncertain significance (1 of 4 stars; one submission).

gnomAD v4.1: 1 of 1,612,714 alleles (0.000062%); no homozygotes.

Submission:

GeneDx
Classification: Uncertain significance. Last evaluated: 2018-04-30. Review status: criteria provided, single submitter. Criteria: GeneDx Variant Classification (06012015). Collection method: clinical testing. Allele origin: germline. Affected: yes.
Comment: The R259X variant has not been reported previously as a pathogenic variant nor as a benign variant, to our knowledge. This variant is predicted to cause loss of normal protein function either through protein truncation or nonsense-mediated mRNA decay. The R259X variant is not observed in large population cohorts (Lek et al., 2016).